The following is an entry in ClinVar:

NM_022765.4(MICAL1):c.2623T>G (p.Ser875Ala)

Gene: MICAL1 (microtubule associated monooxygenase, calponin and LIM domain containing 1; minus strand). Cytogenetic location: 6q21.
Variant type: single nucleotide variant.
Coding change: c.2623T>G on transcript NM_022765.4 (MANE Select); coding-DNA position 2623, T replaced by G.
Protein change: p.Ser875Ala; replaces serine 875 with alanine.
Molecular consequence: missense variant.
Genome position (GRCh38, 1-based): chr6:109,445,821, A>C on the plus strand (T>G on the coding strand, the complement: MICAL1 is on the minus strand). VCF-style: chr6-109445821-A-C. GRCh37 (hg19) VCF-style: chr6-109767024-A-C.
Other names: c.2365T>G, p.Ser789Ala (NM_001159291.2); c.2680T>G, p.Ser894Ala (NM_001286613.2); short protein forms S789A, S875A, S894A.
Identifiers: ClinVar variation 1900596 (VCV001900596.5), dbSNP rs201086049, ClinGen allele CA3952828.

ClinVar aggregate classification (germline): Uncertain significance (1 of 4 stars; one submission).

Allele frequency attached by ClinVar (database versions not stated): ExAC 0.00001; gnomAD 0.00001; 1000 Genomes Project 30x 0.00016; 1000 Genomes Project 0.00020.
gnomAD v4.1: 5 of 1,611,190 alleles (0.00031%); highest among the groups gnomAD compares: East Asian, 0.011%; no homozygotes.

Submission:

Labcorp Genetics (formerly Invitae), Labcorp
Classification: Uncertain significance. Last evaluated: 2025-07-31. Review status: criteria provided, single submitter. Criteria: Invitae Variant Classification Sherloc (09022015). Collection method: clinical testing. Allele origin: germline.
Comment: This sequence change replaces serine, which is neutral and polar, with alanine, which is neutral and non-polar, at codon 894 of the MICAL1 protein (p.Ser894Ala). This variant is present in population databases (rs201086049, gnomAD 0.02%). This variant has not been reported in the literature in individuals affected with MICAL1-related conditions. ClinVar contains an entry for this variant (Variation ID: 1900596). An algorithm developed to predict the effect of missense changes on protein structure and function (PolyPhen-2) suggests that this variant is likely to be tolerated. In summary, the available evidence is currently insufficient to determine the role of this variant in disease. Therefore, it has been classified as a Variant of Uncertain Significance.